The following is an entry in ClinVar:

ClinVar aggregate classification (germline): Uncertain significance. Review status: criteria provided, multiple submitters, no conflicts (2 of 4 stars). 2 submissions from 2 submitters: Uncertain significance (2). Last evaluated 2024-10-24.

Conditions:
Charcot-Marie-Tooth disease type 2. Also called: Charcot-Marie-Tooth type 2. Identifiers: Orphanet 64746, MedGen C0270914, MONDO:0018993.

Allele frequency attached by ClinVar (database versions not stated): gnomAD 0.00001; gnomAD exomes 0.00001; TOPMed below 0.00001; ExAC 0.00001.
gnomAD v4.1: 11 of 1,614,050 alleles (0.00068%); highest among the groups gnomAD compares: Non-Finnish European, 0.00085%; no homozygotes.

Submissions (2):

Labcorp Genetics (formerly Invitae), Labcorp
Classification: Uncertain significance for Charcot-Marie-Tooth disease type 2. Last evaluated: 2024-10-24. Review status: criteria provided, single submitter. Criteria: Invitae Variant Classification Sherloc (09022015). Collection method: clinical testing. Allele origin: germline.
Comment: This sequence change replaces serine, which is neutral and polar, with glycine, which is neutral and non-polar, at codon 21 of the KIF1B protein (p.Ser21Gly). This variant is present in population databases (rs769237267, gnomAD 0.002%). This variant has not been reported in the literature in individuals affected with KIF1B-related conditions. ClinVar contains an entry for this variant (Variation ID: 1054619). Invitae Evidence Modeling of protein sequence and biophysical properties (such as structural, functional, and spatial information, amino acid conservation, physicochemical variation, residue mobility, and thermodynamic stability) indicates that this missense variant is not expected to disrupt KIF1B protein function with a negative predictive value of 80%. In summary, the available evidence is currently insufficient to determine the role of this variant in disease. Therefore, it has been classified as a Variant of Uncertain Significance.

Ambry Genetics
Classification: Uncertain significance. Last evaluated: 2023-12-20. Review status: criteria provided, single submitter. Criteria: Ambry Variant Classification Scheme 2023. Collection method: clinical testing. Allele origin: germline.
Comment: The p.S21G variant (also known as c.61A>G), located in coding exon 1 of the KIF1B gene, results from an A to G substitution at nucleotide position 61. The serine at codon 21 is replaced by glycine, an amino acid with similar properties. This amino acid position is well conserved in available vertebrate species. In addition, this alteration is predicted to be tolerated by in silico analysis. Since supporting evidence is conflicting at this time, the clinical significance of this alteration remains unclear.

NM_001365951.3(KIF1B):c.61A>G (p.Ser21Gly)

Genes: KIF1B (kinesin family member 1B; plus strand), LOC129388446 (MPRA-validated peak64 silencer; plus strand). Cytogenetic location: 1p36.22.
Variant type: single nucleotide variant.
Coding change: c.61A>G on transcript NM_001365951.3 (MANE Select); coding-DNA position 61, A replaced by G.
Protein change: p.Ser21Gly; replaces serine 21 with glycine.
Molecular consequence: missense variant.
Genome position (GRCh38, 1-based): chr1:10,232,389, A>G. VCF-style: chr1-10232389-A-G. GRCh37 (hg19) VCF-style: chr1-10292447-A-G.
Other names: c.61A>G, p.Ser21Gly (NM_001365952.1, NM_001365953.1, NM_015074.3 and 1 more transcripts); short protein forms S21G.
Identifiers: ClinVar variation 1054619 (VCV001054619.9), dbSNP rs769237267, ClinGen allele CA580598.